The following is an entry in ClinVar:

NM_023110.3(FGFR1):c.2356T>G (p.Ser786Ala)

Gene: FGFR1 (fibroblast growth factor receptor 1; minus strand). Cytogenetic location: 8p11.23.
Variant type: single nucleotide variant.
Coding change: c.2356T>G on transcript NM_023110.3 (MANE Select); coding-DNA position 2356, T replaced by G.
Protein change: p.Ser786Ala; replaces serine 786 with alanine.
Molecular consequence: missense variant. On other transcripts: intron variant (3).
Genome position (GRCh38, 1-based): chr8:38,413,741, A>C on the plus strand (T>G on the coding strand, the complement: FGFR1 is on the minus strand). VCF-style: chr8-38413741-A-C. GRCh37 (hg19) VCF-style: chr8-38271259-A-C.
Other names: c.2356T>G, p.Ser786Ala (NM_000604.2); c.2350T>G, p.Ser784Ala (NM_001174063.2, NM_001174065.2, NM_015850.4); c.2326T>G, p.Ser776Ala (NM_001174064.2); c.2089T>G, p.Ser697Ala (NM_001174066.2, NM_023105.3); c.2449T>G, p.Ser817Ala (NM_001174067.2); c.2077T>G, p.Ser693Ala (NM_001354368.2); c.2344T>G, p.Ser782Ala (NM_001410922.1); c.2083T>G, p.Ser695Ala (NM_023106.3); and 3 more; short protein forms S776A, S784A, S782A, S695A, S697A, S786A, S817A, S693A.
Identifiers: ClinVar variation 2940947 (VCV002940947.3), dbSNP rs2536761661, ClinGen allele CA370726922.

ClinVar aggregate classification (germline): Uncertain significance (1 of 4 stars; one submission).

Conditions:
Hypogonadotropic hypogonadism 2 with or without anosmia (HH2). Also called: FGFR1-Related GnRH Deficiency (Kallmann Syndrome 2); HYPOGONADOTROPIC HYPOGONADISM 2 WITH OR WITHOUT ANOSMIA, SUSCEPTIBILITY TO; HYPOGONADOTROPIC HYPOGONADISM 2 WITHOUT ANOSMIA, SUSCEPTIBILITY TO; HYPOGONADOTROPIC HYPOGONADISM 2 WITHOUT ANOSMIA. Identifiers: Orphanet 478, MedGen C1563720, MONDO:0007844, OMIM 147950. Disease mechanism: loss of function.
Pfeiffer syndrome (ACS5). Also called: ACS V. Identifiers: Orphanet 710, MedGen C0220658, MONDO:0007043, OMIM 101600.

Submission:

Labcorp Genetics (formerly Invitae), Labcorp
Classification: Uncertain significance for Pfeiffer syndrome; Hypogonadotropic hypogonadism 2 with or without anosmia. Last evaluated: 2023-06-10. Review status: criteria provided, single submitter. Criteria: Invitae Variant Classification Sherloc (09022015). Collection method: clinical testing. Allele origin: germline.
Comment: This variant is not present in population databases (gnomAD no frequency). This sequence change replaces serine, which is neutral and polar, with alanine, which is neutral and non-polar, at codon 786 of the FGFR1 protein (p.Ser786Ala). This variant has not been reported in the literature in individuals affected with FGFR1-related conditions. In summary, the available evidence is currently insufficient to determine the role of this variant in disease. Therefore, it has been classified as a Variant of Uncertain Significance. Advanced modeling of protein sequence and biophysical properties (such as structural, functional, and spatial information, amino acid conservation, physicochemical variation, residue mobility, and thermodynamic stability) has been performed at Invitae for this missense variant, however the output from this modeling did not meet the statistical confidence thresholds required to predict the impact of this variant on FGFR1 protein function.